The following is an entry in ClinVar:

ClinVar aggregate classification (germline): Uncertain significance. Review status: criteria provided, single submitter (1 of 4 stars). 2 submissions from 2 submitters: Uncertain significance (1). 1 of the submissions does not count toward it. Last evaluated 2024-02-24.

Conditions:
Familial steroid-resistant nephrotic syndrome with sensorineural deafness. Identifiers: Orphanet 280406, MedGen C3553349, MONDO:0013836, OMIM 614650.

Allele frequency attached by ClinVar (database versions not stated): gnomAD exomes 0.00001; ExAC 0.00001; gnomAD 0.00001; TOPMed 0.00001; ESP Exome Variant Server 0.00008.
gnomAD v4.1: 13 of 1,614,060 alleles (0.00081%); highest among the groups gnomAD compares: Non-Finnish European, 0.001%; no homozygotes.

Submissions (2):

Labcorp Genetics (formerly Invitae), Labcorp
Classification: Uncertain significance. Last evaluated: 2024-02-24. Review status: criteria provided, single submitter. Criteria: Invitae Variant Classification Sherloc (09022015). Collection method: clinical testing. Allele origin: germline.
Comment: This sequence change replaces tyrosine, which is neutral and polar, with cysteine, which is neutral and slightly polar, at codon 412 of the COQ6 protein (p.Tyr412Cys). This variant is present in population databases (rs374270071, gnomAD 0.002%). This missense change has been observed in individual(s) with clinical features of coenzyme Q10 deficiency (PMID: 24140869, 35483523). ClinVar contains an entry for this variant (Variation ID: 375343). Advanced modeling of protein sequence and biophysical properties (such as structural, functional, and spatial information, amino acid conservation, physicochemical variation, residue mobility, and thermodynamic stability) performed at Invitae indicates that this missense variant is expected to disrupt COQ6 protein function with a positive predictive value of 80%. Experimental studies have shown that this missense change affects COQ6 function (PMID: 24140869). In summary, the available evidence is currently insufficient to determine the role of this variant in disease. Therefore, it has been classified as a Variant of Uncertain Significance.

GeneReviews
No classification provided. Condition: Familial steroid-resistant nephrotic syndrome with sensorineural deafness. Review status: no classification provided. Collection method: literature only. Allele origin: germline. Not counted in ClinVar's aggregate classification.

Literature cited by the submitters: PubMed 24140869 (cited by Labcorp Genetics (formerly Invitae), Labcorp and GeneReviews); PubMed 35483523 (cited by Labcorp Genetics (formerly Invitae), Labcorp); NCBI Bookshelf NBK410087 (cited by GeneReviews).

NM_182476.3(COQ6):c.1235A>G (p.Tyr412Cys)

Genes: COQ6 (coenzyme Q6, monooxygenase; plus strand), ENTPD5 (ectonucleoside triphosphate diphosphohydrolase 5; minus strand). Cytogenetic location: 14q24.3.
Variant type: single nucleotide variant.
Coding change: c.1235A>G on transcript NM_182476.3 (MANE Select); coding-DNA position 1235, A replaced by G.
Protein change: p.Tyr412Cys; replaces tyrosine 412 with cysteine.
Molecular consequence: missense variant. On other transcripts: intron variant (7).
Genome position (GRCh38, 1-based): chr14:73,961,761, A>G. VCF-style: chr14-73961761-A-G. GRCh37 (hg19) VCF-style: chr14-74428464-A-G.
Other names: c.1127A>G, p.Tyr376Cys (NM_001425256.1); c.1070A>G, p.Tyr357Cys (NM_001425257.1); c.1052A>G, p.Tyr351Cys (NM_001425258.1); c.1010A>G, p.Tyr337Cys (NM_001425259.1, NM_001425260.1, NM_001425261.1); c.980A>G, p.Tyr327Cys (NM_001425262.1); c.908A>G, p.Tyr303Cys (NM_001425263.1); c.695A>G, p.Tyr232Cys (NM_001425264.1, NM_001425265.1); c.1160A>G, p.Tyr387Cys (NM_182480.3); and 5 more; short protein forms Y387C, Y412C.
Identifiers: ClinVar variation 375343 (VCV000375343.7), dbSNP rs374270071, ClinGen allele CA7264486.